The following is an entry in ClinVar:

NM_001605.3(AARS1):c.2901G>C (p.Lys967Asn)

Gene: AARS1 (alanyl-tRNA synthetase 1; minus strand). Cytogenetic location: 16q22.1.
Variant type: single nucleotide variant.
Coding change: c.2901G>C on transcript NM_001605.3 (MANE Select); coding-DNA position 2901, G replaced by C.
Protein change: p.Lys967Asn; replaces lysine 967 with asparagine.
Molecular consequence: missense variant.
Genome position (GRCh38, 1-based): chr16:70,252,727, C>G on the plus strand (G>C on the coding strand, the complement: AARS1 is on the minus strand). VCF-style: chr16-70252727-C-G. GRCh37 (hg19) VCF-style: chr16-70286630-C-G.
Other names: short protein forms K967N.
Identifiers: ClinVar variation 853978 (VCV000853978.9), dbSNP rs762241810, ClinGen allele CA396553504.

ClinVar aggregate classification (germline): Uncertain significance. Review status: criteria provided, multiple submitters, no conflicts (2 of 4 stars). 3 submissions from 3 submitters: Uncertain significance (3). Last evaluated 2025-06-06.

Conditions:
AARS1-related disorder. Also called: AARS1-related condition.
Charcot-Marie-Tooth disease type 2. Also called: Charcot-Marie-Tooth type 2. Identifiers: Orphanet 64746, MedGen C0270914, MONDO:0018993.
Inborn genetic diseases. Identifiers: MedGen C0950123, MeSH D030342.

Allele frequency attached by ClinVar (database versions not stated): TOPMed 0.00002.
gnomAD v4.1: 13 of 1,613,962 alleles (0.00081%); highest among the groups gnomAD compares: Non-Finnish European, 0.0011%; no homozygotes.

Submissions (3):

PreventionGenetics, part of Exact Sciences
Classification: Uncertain significance for AARS1-related condition. Last evaluated: 2025-06-06. Review status: criteria provided, single submitter. Criteria: ACMG Guidelines, 2015. Collection method: clinical testing. Allele origin: germline.
Comment: The AARS1 c.2901G>C variant is predicted to result in the amino acid substitution p.Lys967Asn. To our knowledge, this variant has not been reported in the literature. This variant is reported in 0.00088% of alleles in individuals of European (non-Finnish) descent in gnomAD. At this time, the clinical significance of this variant is uncertain due to the absence of conclusive functional and genetic evidence.

Labcorp Genetics (formerly Invitae), Labcorp
Classification: Uncertain significance for Charcot-Marie-Tooth disease type 2. Last evaluated: 2022-09-07. Review status: criteria provided, single submitter. Criteria: Invitae Variant Classification Sherloc (09022015). Collection method: clinical testing. Allele origin: germline.
Comment: This sequence change replaces lysine, which is basic and polar, with asparagine, which is neutral and polar, at codon 967 of the AARS protein (p.Lys967Asn). This variant is present in population databases (no rsID available, gnomAD 0.0009%). This variant has not been reported in the literature in individuals affected with AARS-related conditions. ClinVar contains an entry for this variant (Variation ID: 853978). Algorithms developed to predict the effect of missense changes on protein structure and function are either unavailable or do not agree on the potential impact of this missense change (SIFT: "Deleterious"; PolyPhen-2: "Probably Damaging"; Align-GVGD: "Class C0"). In summary, the available evidence is currently insufficient to determine the role of this variant in disease. Therefore, it has been classified as a Variant of Uncertain Significance.

Ambry Genetics
Classification: Uncertain significance for Inborn genetic diseases. Last evaluated: 2021-11-08. Review status: criteria provided, single submitter. Criteria: Ambry Variant Classification Scheme 2023. Collection method: clinical testing. Allele origin: germline.